The following is an entry in ClinVar:

ClinVar aggregate classification (germline): Uncertain significance (1 of 4 stars; one submission).

Conditions:
Syndromic X-linked intellectual disability 94 (MRXSW). Also called: MENTAL RETARDATION, X-LINKED, SYNDROMIC 29; X-linked intellectual disability due to GRIA3 anomalies. Identifiers: Orphanet 364028, MedGen C2678051, MONDO:0010402, OMIM 300699.

Submission:

MVZ Medizinische Genetik Mainz
Classification: Uncertain significance for Syndromic X-linked intellectual disability 94. Last evaluated: 2022-05-31. Review status: criteria provided, single submitter. Criteria: UK Practice Guidelines For Variant Classification V4 01 2020. Collection method: clinical testing. Allele origin: germline. Inheritance: X-linked recessive inheritance. Affected: yes. Observed: 1 variant allele.
Comment: ACMG Criteria: PM2_SUP,PP2,PP3

NM_007325.5(GRIA3):c.1367T>C (p.Val456Ala)

Gene: GRIA3 (glutamate ionotropic receptor AMPA type subunit 3; plus strand). Cytogenetic location: Xq25.
Variant type: single nucleotide variant.
Coding change: c.1367T>C on transcript NM_007325.5 (MANE Select); coding-DNA position 1367, T replaced by C.
Protein change: p.Val456Ala; replaces valine 456 with alanine.
Molecular consequence: missense variant.
Genome position (GRCh38, 1-based): chrX:123,404,781, T>C. VCF-style: chrX-123404781-T-C. GRCh37 (hg19) VCF-style: chrX-122538632-T-C.
Other names: c.1367T>C, p.Val456Ala (NM_000828.5); short protein forms V456A.
Identifiers: ClinVar variation 3066252 (VCV003066252.1), dbSNP rs2521173285, ClinGen allele CA414259057.